The following is an entry in ClinVar:

ClinVar aggregate classification (germline): Uncertain significance (1 of 4 stars; one submission).

Submission:

GeneDx
Classification: Uncertain significance. Last evaluated: 2025-02-20. Review status: criteria provided, single submitter. Criteria: GeneDx Variant Classification Process June 2021. Collection method: clinical testing. Allele origin: germline. Affected: yes.
Comment: Not observed at significant frequency in large population cohorts (gnomAD); In silico analysis supports that this missense variant has a deleterious effect on protein structure/function; Has not been previously published as pathogenic or benign to our knowledge

NM_001282116.2(RFX3):c.725G>C (p.Gly242Ala)

Gene: RFX3 (regulatory factor X3; minus strand). Cytogenetic location: 9p24.2.
Variant type: single nucleotide variant.
Coding change: c.725G>C on transcript NM_001282116.2 (MANE Select); coding-DNA position 725, G replaced by C.
Protein change: p.Gly242Ala; replaces glycine 242 with alanine.
Molecular consequence: missense variant.
Genome position (GRCh38, 1-based): chr9:3,293,083, C>G on the plus strand (G>C on the coding strand, the complement: RFX3 is on the minus strand). VCF-style: chr9-3293083-C-G. GRCh37 (hg19) VCF-style: chr9-3293083-C-G.
Other names: c.725G>C, p.Gly242Ala (NM_001282117.2, NM_001377999.1, NM_002919.4 and 1 more transcripts); short protein forms G242A.
Identifiers: ClinVar variation 4076698 (VCV004076698.1).